The following is an entry in ClinVar:

ClinVar aggregate classification (germline): Likely benign. Review status: criteria provided, multiple submitters, no conflicts (2 of 4 stars). 8 submissions from 8 submitters: Likely benign (8). Last evaluated 2026-01-31.

Conditions:
Hereditary cancer-predisposing syndrome. Also called: Hereditary neoplastic syndrome; Neoplastic Syndromes, Hereditary; Hereditary Cancer Syndrome; Tumor predisposition. Identifiers: Orphanet 140162, MedGen C0027672, MeSH D009386, MONDO:0015356.
Familial adenomatous polyposis 2. Also called: MUTYH Polyposis; Adenomas, multiple colorectal; COLORECTAL ADENOMATOUS POLYPOSIS, AUTOSOMAL RECESSIVE; FAP type 2; MYH-associated polyposis; MUTYH-associated polyposis. Identifiers: Orphanet 220460, Orphanet 247798, MedGen C3272841, MONDO:0012041, OMIM 608456.

Allele frequency attached by ClinVar (database versions not stated): TOPMed 0.00001.
gnomAD v4.1: 11 of 1,614,186 alleles (0.00068%); highest among the groups gnomAD compares: Admixed American, 0.005%; no homozygotes.

Submissions (8):

Labcorp Genetics (formerly Invitae), Labcorp
Classification: Likely benign for Familial adenomatous polyposis 2. Last evaluated: 2026-01-31. Review status: criteria provided, single submitter. Criteria: Invitae Variant Classification Sherloc (09022015). Collection method: clinical testing. Allele origin: germline.

CeGaT Center for Human Genetics Tuebingen
Classification: Likely benign. Last evaluated: 2024-12-01. Review status: criteria provided, single submitter. Criteria: CeGaT Center For Human Genetics Tuebingen Variant Classification Criteria Version 2. Collection method: clinical testing. Allele origin: germline. Affected: yes. Observed: 2 variant alleles.
Comment: MUTYH: BP4, BP7

All of Us Research Program, National Institutes of Health
Classification: Likely benign for Familial adenomatous polyposis 2. Last evaluated: 2024-02-05. Review status: criteria provided, single submitter. Criteria: ACMG Guidelines, 2015. Collection method: clinical testing. Allele origin: germline. Inheritance: Autosomal recessive inheritance. Observed: 4 variant alleles, 4 heterozygotes.
Comment: This study involves interpretation of variants in research participants for the purpose of population health screening. Participant phenotype was not available at the time of variant classification. Additional details can be found in publication PMID: 35346344, PMCID: PMC8962531

Sema4
Classification: Likely benign for Hereditary cancer-predisposing syndrome. Last evaluated: 2021-04-23. Review status: criteria provided, single submitter. Criteria: Sema4 Curation Guidelines. Collection method: curation. Allele origin: germline.

Women's Health and Genetics/Laboratory Corporation of America, LabCorp
Classification: Likely benign. Last evaluated: 2019-10-31. Review status: criteria provided, single submitter. Criteria: LabCorp Variant Classification Summary - May 2015. Collection method: clinical testing. Allele origin: germline.

GeneDx
Classification: Likely benign. Last evaluated: 2019-03-14. Review status: criteria provided, single submitter. Criteria: GeneDx Variant Classification Process June 2021. Collection method: clinical testing. Allele origin: germline. Affected: yes.

Color Diagnostics, LLC DBA Color Health
Classification: Likely benign for Hereditary cancer-predisposing syndrome. Last evaluated: 2017-02-21. Review status: criteria provided, single submitter. Criteria: ACMG Guidelines, 2015. Collection method: clinical testing. Allele origin: germline.

Ambry Genetics
Classification: Likely benign for Hereditary cancer-predisposing syndrome. Last evaluated: 2015-10-20. Review status: criteria provided, single submitter. Criteria: Ambry Variant Classification Scheme 2023. Collection method: clinical testing. Allele origin: germline.

NM_001048174.2(MUTYH):c.888G>A (p.Ser296=)

Gene: MUTYH (mutY DNA glycosylase; minus strand). Cytogenetic location: 1p34.1.
Variant type: single nucleotide variant.
Coding change: c.888G>A on transcript NM_001048174.2 (MANE Select); coding-DNA position 888, G replaced by A.
Protein change: p.Ser296=; no amino-acid change (serine 296 retained).
Molecular consequence: synonymous variant. On other transcripts: non-coding transcript variant (2).
Genome position (GRCh38, 1-based): chr1:45,332,048, C>T on the plus strand (G>A on the coding strand, the complement: MUTYH is on the minus strand). VCF-style: chr1-45332048-C-T. GRCh37 (hg19) VCF-style: chr1-45797720-C-T.
Other names: c.888G>A, p.Ser296= (NM_001048171.2, NM_001048173.2, NM_001293195.2); c.891G>A, p.Ser297= (NM_001048172.2); c.972G>A, p.Ser324= (NM_001128425.2); c.933G>A, p.Ser311= (NM_001293190.2); c.921G>A, p.Ser307= (NM_001293191.2); c.612G>A, p.Ser204= (NM_001293192.2, NM_001293196.2); c.543G>A, p.Ser181= (NM_001350650.2, NM_001350651.2); c.963G>A, p.Ser321= (NM_012222.3).
Identifiers: ClinVar variation 464741 (VCV000464741.33), dbSNP rs771683103, ClinGen allele CA059816.